The following is an entry in ClinVar:

NM_004329.3(BMPR1A):c.1365G>C (p.Leu455Phe)

Gene: BMPR1A (bone morphogenetic protein receptor type 1A; plus strand). Cytogenetic location: 10q23.2.
Variant type: single nucleotide variant.
Coding change: c.1365G>C on transcript NM_004329.3 (MANE Select); coding-DNA position 1365, G replaced by C.
Protein change: p.Leu455Phe; replaces leucine 455 with phenylalanine.
Molecular consequence: missense variant. On other transcripts: non-coding transcript variant (3).
Genome position (GRCh38, 1-based): chr10:86,923,398, G>C. VCF-style: chr10-86923398-G-C. GRCh37 (hg19) VCF-style: chr10-88683155-G-C.
Other names: c.1440G>C, p.Leu480Phe (NM_001406559.1); c.1413G>C, p.Leu471Phe (NM_001406560.1); c.1365G>C, p.Leu455Phe (NM_001406561.1, NM_001406562.1, NM_001406563.1 and 19 more transcripts); c.1281G>C, p.Leu427Phe (NM_001406584.1, NM_001406585.1, NM_001406586.1 and 2 more transcripts); c.1023G>C, p.Leu341Phe (NM_001406589.1); c.1359G>C, p.Leu453Phe (NM_001406583.1); short protein forms L471F, L341F, L480F, L455F, L427F, L453F.
Identifiers: ClinVar variation 2745600 (VCV002745600.3), dbSNP rs753694209, ClinGen allele CA377462713.

ClinVar aggregate classification (germline): Uncertain significance (1 of 4 stars; one submission).

Conditions:
Juvenile polyposis syndrome (JPS). Identifiers: Orphanet 2929, MedGen C0345893, MONDO:0017380, OMIM 174900.

Submission:

Labcorp Genetics (formerly Invitae), Labcorp
Classification: Uncertain significance for Juvenile polyposis syndrome. Last evaluated: 2023-07-21. Review status: criteria provided, single submitter. Criteria: Invitae Variant Classification Sherloc (09022015). Collection method: clinical testing. Allele origin: germline.
Comment: This sequence change replaces leucine, which is neutral and non-polar, with phenylalanine, which is neutral and non-polar, at codon 455 of the BMPR1A protein (p.Leu455Phe). This variant is not present in population databases (gnomAD no frequency). This variant has not been reported in the literature in individuals affected with BMPR1A-related conditions. Advanced modeling of protein sequence and biophysical properties (such as structural, functional, and spatial information, amino acid conservation, physicochemical variation, residue mobility, and thermodynamic stability) has been performed at Invitae for this missense variant, however the output from this modeling did not meet the statistical confidence thresholds required to predict the impact of this variant on BMPR1A protein function. In summary, the available evidence is currently insufficient to determine the role of this variant in disease. Therefore, it has been classified as a Variant of Uncertain Significance.